The following is an entry in ClinVar:

NM_001134363.3(RBM20):c.3470C>T (p.Pro1157Leu)

Gene: RBM20 (RNA binding motif protein 20; plus strand). Cytogenetic location: 10q25.2.
Variant type: single nucleotide variant.
Coding change: c.3470C>T on transcript NM_001134363.3 (MANE Select); coding-DNA position 3470, C replaced by T.
Protein change: p.Pro1157Leu; replaces proline 1157 with leucine.
Molecular consequence: missense variant.
Genome position (GRCh38, 1-based): chr10:110,831,079, C>T. VCF-style: chr10-110831079-C-T. GRCh37 (hg19) VCF-style: chr10-112590837-C-T.
Other names: short protein forms P1157L.
Identifiers: ClinVar variation 4802665 (VCV004802665.1).

ClinVar aggregate classification (germline): Uncertain significance (1 of 4 stars; one submission).

Conditions:
Dilated cardiomyopathy 1DD (CMD1DD). Identifiers: Orphanet 154, MedGen C2750995, MONDO:0013168, OMIM 613172.

Submission:

Labcorp Genetics (formerly Invitae), Labcorp
Classification: Uncertain significance for Dilated cardiomyopathy 1DD. Last evaluated: 2025-12-08. Review status: criteria provided, single submitter. Criteria: Invitae Variant Classification Sherloc (09022015). Collection method: clinical testing. Allele origin: germline.
Comment: This sequence change replaces proline, which is neutral and non-polar, with leucine, which is neutral and non-polar, at codon 1157 of the RBM20 protein (p.Pro1157Leu). This variant is not present in population databases (gnomAD no frequency). This variant has not been reported in the literature in individuals affected with RBM20-related conditions. Invitae Evidence Modeling of protein sequence and biophysical properties (such as structural, functional, and spatial information, amino acid conservation, physicochemical variation, residue mobility, and thermodynamic stability) has been performed for this missense variant. However, the output from this modeling did not meet the statistical confidence thresholds required to predict the impact of this variant on RBM20 protein function. In summary, the available evidence is currently insufficient to determine the role of this variant in disease. Therefore, it has been classified as a Variant of Uncertain Significance.